The following is an entry in ClinVar:

ClinVar aggregate classification (germline): Uncertain significance (1 of 4 stars; one submission).

Conditions:
Congenital sensory neuropathy with selective loss of small myelinated fibers (HSAN5). Also called: HSAN Type V. Identifiers: Orphanet 64752, MedGen C0020075, MONDO:0012092, OMIM 608654.

Submission:

Labcorp Genetics (formerly Invitae), Labcorp
Classification: Uncertain significance for Congenital sensory neuropathy with selective loss of small myelinated fibers. Last evaluated: 2021-08-15. Review status: criteria provided, single submitter. Criteria: Invitae Variant Classification Sherloc (09022015). Collection method: clinical testing. Allele origin: germline.
Comment: In summary, the available evidence is currently insufficient to determine the role of this variant in disease. Therefore, it has been classified as a Variant of Uncertain Significance. Algorithms developed to predict the effect of missense changes on protein structure and function are either unavailable or do not agree on the potential impact of this missense change (SIFT: "Tolerated"; PolyPhen-2: "Probably Damaging"; Align-GVGD: "Class C0"). This variant has not been reported in the literature in individuals affected with NGF-related conditions. This variant is not present in population databases (ExAC no frequency). This sequence change replaces asparagine with histidine at codon 114 of the NGF protein (p.Asn114His). The asparagine residue is highly conserved and there is a small physicochemical difference between asparagine and histidine.

NM_002506.3(NGF):c.340A>C (p.Asn114His)

Genes: NGF (nerve growth factor; minus strand), NGF-AS1 (NGF antisense RNA 1; plus strand). Cytogenetic location: 1p13.2.
Variant type: single nucleotide variant.
Coding change: c.340A>C on transcript NM_002506.3 (MANE Select); coding-DNA position 340, A replaced by C.
Protein change: p.Asn114His; replaces asparagine 114 with histidine.
Molecular consequence: missense variant.
Genome position (GRCh38, 1-based): chr1:115,286,456, T>G on the plus strand (A>C on the coding strand, the complement: NGF is on the minus strand). VCF-style: chr1-115286456-T-G. GRCh37 (hg19) VCF-style: chr1-115829077-T-G.
Other names: short protein forms N114H.
Identifiers: ClinVar variation 1483603 (VCV001483603.6), dbSNP rs867581456, ClinGen allele CA29767452.